The following is an entry in ClinVar:

ClinVar aggregate classification (germline): Likely benign. Review status: criteria provided, multiple submitters, no conflicts (2 of 4 stars). 2 submissions from 2 submitters: Likely benign (2). Last evaluated 2024-07-10.

Conditions:
Catecholaminergic polymorphic ventricular tachycardia (CVPT). Also called: Catecholamine-induced polymorphic ventricular tachycardia. Identifiers: Orphanet 3286, MedGen C5574922, MONDO:0017990.
Catecholaminergic polymorphic ventricular tachycardia 1. Also called: RYR2-Related Catecholaminergic Polymorphic Ventricular Tachycardia; VENTRICULAR TACHYCARDIA, STRESS-INDUCED POLYMORPHIC 1; VENTRICULAR TACHYCARDIA, CATECHOLAMINERGIC POLYMORPHIC, 1, WITH OR WITHOUT ATRIAL DYSFUNCTION AND/OR DILATED CARDIOMYOPATHY. Identifiers: Orphanet 3286, MedGen C1631597, MONDO:0011484, OMIM 604772.

Allele frequency attached by ClinVar (database versions not stated): gnomAD exomes below 0.00001; ExAC 0.00001.
gnomAD v4.1: 2 of 1,608,490 alleles (0.00012%); highest among the groups gnomAD compares: South Asian, 0.0022%; no homozygotes.

Submissions (2):

All of Us Research Program, National Institutes of Health
Classification: Likely benign for Catecholaminergic polymorphic ventricular tachycardia. Last evaluated: 2024-07-10. Review status: criteria provided, single submitter. Criteria: ACMG Guidelines, 2015. Collection method: clinical testing. Allele origin: germline. Inheritance: Autosomal dominant inheritance. Observed: 1 variant allele, 1 heterozygote.
Comment: This study involves interpretation of variants in research participants for the purpose of population health screening. Participant phenotype was not available at the time of variant classification. Additional details can be found in publication PMID: 35346344, PMCID: PMC8962531

Labcorp Genetics (formerly Invitae), Labcorp
Classification: Likely benign for Catecholaminergic polymorphic ventricular tachycardia 1. Last evaluated: 2022-09-09. Review status: criteria provided, single submitter. Criteria: Invitae Variant Classification Sherloc (09022015). Collection method: clinical testing. Allele origin: germline.

NM_001035.3(RYR2):c.1119T>G (p.Thr373=)

Gene: RYR2 (ryanodine receptor 2; plus strand). Cytogenetic location: 1q43.
Variant type: single nucleotide variant.
Coding change: c.1119T>G on transcript NM_001035.3 (MANE Select); coding-DNA position 1119, T replaced by G.
Protein change: p.Thr373=; no amino-acid change (threonine 373 retained).
Molecular consequence: synonymous variant.
Genome position (GRCh38, 1-based): chr1:237,441,432, T>G. VCF-style: chr1-237441432-T-G. GRCh37 (hg19) VCF-style: chr1-237604732-T-G.
Identifiers: ClinVar variation 749482 (VCV000749482.13), dbSNP rs202231354, ClinGen allele CA064439.